The following is an entry in ClinVar:

ClinVar aggregate classification (germline): Uncertain significance (1 of 4 stars; one submission).

Allele frequency attached by ClinVar (database versions not stated): ESP Exome Variant Server 0.00008.
gnomAD v4.1: 8 of 1,613,670 alleles (0.0005%); highest among the groups gnomAD compares: African/African-American, 0.011%; no homozygotes.

Submission:

Labcorp Genetics (formerly Invitae), Labcorp
Classification: Uncertain significance. Last evaluated: 2023-11-04. Review status: criteria provided, single submitter. Criteria: Invitae Variant Classification Sherloc (09022015). Collection method: clinical testing. Allele origin: germline.
Comment: This sequence change replaces proline, which is neutral and non-polar, with leucine, which is neutral and non-polar, at codon 1186 of the ZNF687 protein (p.Pro1186Leu). This variant is present in population databases (rs372803451, gnomAD 0.01%). This variant has not been reported in the literature in individuals affected with ZNF687-related conditions. An algorithm developed to predict the effect of missense changes on protein structure and function (PolyPhen-2) suggests that this variant is likely to be tolerated. In summary, the available evidence is currently insufficient to determine the role of this variant in disease. Therefore, it has been classified as a Variant of Uncertain Significance.

NM_020832.3(ZNF687):c.3557C>T (p.Pro1186Leu)

Gene: ZNF687 (zinc finger protein 687; plus strand). Cytogenetic location: 1q21.3.
Variant type: single nucleotide variant.
Coding change: c.3557C>T on transcript NM_020832.3 (MANE Select); coding-DNA position 3557, C replaced by T.
Protein change: p.Pro1186Leu; replaces proline 1186 with leucine.
Molecular consequence: missense variant.
Genome position (GRCh38, 1-based): chr1:151,291,052, C>T. VCF-style: chr1-151291052-C-T. GRCh37 (hg19) VCF-style: chr1-151263528-C-T.
Other names: c.3557C>T, p.Pro1186Leu (NM_001304763.2, NM_001304764.2); short protein forms P1186L.
Identifiers: ClinVar variation 2987648 (VCV002987648.3), dbSNP rs372803451, ClinGen allele CA29525088.